The following is an entry in ClinVar:

ClinVar aggregate classification (germline): Uncertain significance (1 of 4 stars; one submission).

Conditions:
Cardiovascular phenotype. Identifiers: MedGen CN230736.

gnomAD v4.1: 4 of 1,612,420 alleles (0.00025%); highest among the groups gnomAD compares: Non-Finnish European, 0.00034%; no homozygotes.

Submission:

Ambry Genetics
Classification: Uncertain significance for Cardiovascular phenotype. Last evaluated: 2021-10-07. Review status: criteria provided, single submitter. Criteria: Ambry Variant Classification Scheme 2023. Collection method: clinical testing. Allele origin: germline.
Comment: The p.R1436L variant (also known as c.4307G>T), located in coding exon 28 of the MYH6 gene, results from a G to T substitution at nucleotide position 4307. The arginine at codon 1436 is replaced by leucine, an amino acid with dissimilar properties. This amino acid position is conserved. In addition, this alteration is predicted to be deleterious by in silico analysis. Since supporting evidence is limited at this time, the clinical significance of this alteration remains unclear.

NM_002471.4(MYH6):c.4307G>T (p.Arg1436Leu)

Gene: MYH6 (myosin heavy chain 6; minus strand). Cytogenetic location: 14q11.2.
Variant type: single nucleotide variant.
Coding change: c.4307G>T on transcript NM_002471.4 (MANE Select); coding-DNA position 4307, G replaced by T.
Protein change: p.Arg1436Leu; replaces arginine 1436 with leucine.
Molecular consequence: missense variant.
Genome position (GRCh38, 1-based): chr14:23,388,207, C>A on the plus strand (G>T on the coding strand, the complement: MYH6 is on the minus strand). VCF-style: chr14-23388207-C-A. GRCh37 (hg19) VCF-style: chr14-23857416-C-A.
Other names: short protein forms R1436L.
Identifiers: ClinVar variation 1739593 (VCV001739593.2), dbSNP rs142556730, ClinGen allele CA388998701.